The following is an entry in ClinVar:

NM_023110.3(FGFR1):c.937-14G>A

Gene: FGFR1 (fibroblast growth factor receptor 1; minus strand). Cytogenetic location: 8p11.23.
Variant type: single nucleotide variant.
Coding change: c.937-14G>A on transcript NM_023110.3 (MANE Select); 14 bases into the intron before coding-DNA position 937, G replaced by A.
Molecular consequence: intron variant.
Genome position (GRCh38, 1-based): chr8:38,421,955, C>T on the plus strand (G>A on the coding strand, the complement: FGFR1 is on the minus strand). VCF-style: chr8-38421955-C-T. GRCh37 (hg19) VCF-style: chr8-38279473-C-T.
Other names: c.664-14G>A (NM_001354368.2, NM_001354370.2, NM_023106.3); c.670-14G>A (NM_023105.3, NM_001174066.2); c.931-14G>A (NM_001354367.2, NM_015850.4, NM_001354369.2 and 1 more transcripts); c.937-14G>A (NM_001174063.2); c.913-14G>A (NM_001174064.2); c.1030-14G>A (NM_001174067.2).
Identifiers: ClinVar variation 931498 (VCV000931498.6), dbSNP rs779223305, ClinGen allele CA4718555.

ClinVar aggregate classification (germline): Conflicting classifications of pathogenicity. Review status: criteria provided, conflicting classifications (1 of 4 stars). 2 submissions from 2 submitters: Uncertain significance (1); Likely benign (1). Last evaluated 2025-07-14.

Conditions:
Pfeiffer syndrome (ACS5). Also called: ACS V. Identifiers: Orphanet 710, MedGen C0220658, MONDO:0007043, OMIM 101600.
Hypogonadotropic hypogonadism 2 with or without anosmia (HH2). Also called: FGFR1-Related GnRH Deficiency (Kallmann Syndrome 2); HYPOGONADOTROPIC HYPOGONADISM 2 WITHOUT ANOSMIA; HYPOGONADOTROPIC HYPOGONADISM 2 WITH OR WITHOUT ANOSMIA, SUSCEPTIBILITY TO; HYPOGONADOTROPIC HYPOGONADISM 2 WITHOUT ANOSMIA, SUSCEPTIBILITY TO. Identifiers: Orphanet 478, MedGen C1563720, MONDO:0007844, OMIM 147950. Disease mechanism: loss of function.
Encephalocraniocutaneous lipomatosis (ECCL). Identifiers: Orphanet 2396, MedGen C0406612, MONDO:0013074, OMIM 613001.

Allele frequency attached by ClinVar (database versions not stated): ExAC 0.00003; gnomAD exomes 0.00003 and 0.00004; gnomAD 0.00004; TOPMed 0.00006.
gnomAD v4.1: 62 of 1,613,702 alleles (0.0038%); highest among the groups gnomAD compares: South Asian, 0.027%; no homozygotes.

Submissions (2):

Labcorp Genetics (formerly Invitae), Labcorp
Classification: Likely benign for Pfeiffer syndrome; Hypogonadotropic hypogonadism 2 with or without anosmia. Last evaluated: 2025-07-14. Review status: criteria provided, single submitter. Criteria: Invitae Variant Classification Sherloc (09022015). Collection method: clinical testing. Allele origin: germline.

Centre for Mendelian Genomics, University Medical Centre Ljubljana
Classification: Uncertain significance for Encephalocraniocutaneous lipomatosis. Last evaluated: 2019-02-16. Review status: criteria provided, single submitter. Criteria: ACMG Guidelines, 2015. Collection method: clinical testing. Allele origin: unknown. Affected: yes.
Comment: This variant was classified as: Uncertain significance. The available evidence on this variant's pathogenicity is insufficient or conflicting. The following ACMG criteria were applied in classifying this variant: BP4.